The following is an entry in ClinVar:

ClinVar aggregate classification (germline): Uncertain significance. Review status: criteria provided, multiple submitters, no conflicts (2 of 4 stars). 2 submissions from 2 submitters: Uncertain significance (2). Last evaluated 2024-10-11.

Conditions:
Colorectal cancer, hereditary nonpolyposis, type 7. Identifiers: Orphanet 144, MedGen C1858380, MONDO:0013725, OMIM 614385.

Submissions (2):

Ambry Genetics
Classification: Uncertain significance. Last evaluated: 2024-10-11. Review status: criteria provided, single submitter. Criteria: Ambry Variant Classification Scheme 2023. Collection method: clinical testing. Allele origin: germline.
Comment: The p.T569I variant (also known as c.1706C>T), located in coding exon 1 of the MLH3 gene, results from a C to T substitution at nucleotide position 1706. The threonine at codon 569 is replaced by isoleucine, an amino acid with similar properties. This amino acid position is conserved. In addition, this alteration is predicted to be tolerated by in silico analysis. Since supporting evidence is limited at this time, the clinical significance of this alteration remains unclear.

Labcorp Genetics (formerly Invitae), Labcorp
Classification: Uncertain significance for Colorectal cancer, hereditary nonpolyposis, type 7. Last evaluated: 2024-03-01. Review status: criteria provided, single submitter. Criteria: Invitae Variant Classification Sherloc (09022015). Collection method: clinical testing. Allele origin: germline.
Comment: This sequence change replaces threonine, which is neutral and polar, with isoleucine, which is neutral and non-polar, at codon 569 of the MLH3 protein (p.Thr569Ile). This variant is not present in population databases (gnomAD no frequency). This variant has not been reported in the literature in individuals affected with MLH3-related conditions. ClinVar contains an entry for this variant (Variation ID: 1778453). An algorithm developed to predict the effect of missense changes on protein structure and function (PolyPhen-2) suggests that this variant is likely to be tolerated. In summary, the available evidence is currently insufficient to determine the role of this variant in disease. Therefore, it has been classified as a Variant of Uncertain Significance.

NM_001040108.2(MLH3):c.1706C>T (p.Thr569Ile)

Gene: MLH3 (mutL homolog 3; minus strand). Cytogenetic location: 14q24.3.
Variant type: single nucleotide variant.
Coding change: c.1706C>T on transcript NM_001040108.2 (MANE Select); coding-DNA position 1706, C replaced by T.
Protein change: p.Thr569Ile; replaces threonine 569 with isoleucine.
Molecular consequence: missense variant.
Genome position (GRCh38, 1-based): chr14:75,047,950, G>A on the plus strand (C>T on the coding strand, the complement: MLH3 is on the minus strand). VCF-style: chr14-75047950-G-A. GRCh37 (hg19) VCF-style: chr14-75514653-G-A.
Other names: c.1706C>T, p.Thr569Ile (NM_014381.3); short protein forms T569I.
Identifiers: ClinVar variation 1778453 (VCV001778453.6), dbSNP rs1566606644, ClinGen allele CA390444587.